The following is an entry in ClinVar:

ClinVar aggregate classification (germline): Uncertain significance. Review status: criteria provided, multiple submitters, no conflicts (2 of 4 stars). 4 submissions from 4 submitters: Uncertain significance (4). Last evaluated 2025-06-18.

Conditions:
Marfan syndrome (MFS). Also called: Marfan syndrome type 1; Marfan's syndrome; FBN1-Related Marfan Syndrome; MARFAN SYNDROME, TYPE I; Marfan syndrome, classic. Identifiers: Orphanet 284963, Orphanet 558, MedGen C0024796, MONDO:0007947, OMIM 154700.
Familial thoracic aortic aneurysm and aortic dissection (TAAD). Also called: Thoracic aortic aneurysms and dissections. Identifiers: Orphanet 91387, MedGen C4707243, MONDO:0019625.

Submissions (4):

GeneDx
Classification: Uncertain significance. Last evaluated: 2025-06-18. Review status: criteria provided, single submitter. Criteria: GeneDx Variant Classification Process June 2021. Collection method: clinical testing. Allele origin: germline. Affected: yes.
Comment: Not observed at significant frequency in large population cohorts (gnomAD); In silico analysis suggests that this missense variant does not alter protein structure/function; Has not been previously published as pathogenic or benign to our knowledge; This variant is associated with the following publications: (PMID: 12938084)

Color Diagnostics, LLC DBA Color Health
Classification: Uncertain significance for Familial thoracic aortic aneurysm and aortic dissection. Last evaluated: 2024-03-07. Review status: criteria provided, single submitter. Criteria: ACMG Guidelines, 2015. Collection method: clinical testing. Allele origin: germline.
Comment: This missense variant replaces glutamic acid with lysine at codon 2572 of the FBN1 protein. Computational prediction suggests that this variant may not impact protein structure and function (internally defined REVEL score threshold <= 0.5, PMID: 27666373). To our knowledge, functional studies have not been reported for this variant. This variant has been reported in an individuals with clinical features of Marfan syndrome (ClinVar SCV002288574.2). This variant has not been identified in the general population by the Genome Aggregation Database (gnomAD). The available evidence is insufficient to determine the role of this variant in disease conclusively. Therefore, this variant is classified as a Variant of Uncertain Significance.

All of Us Research Program, National Institutes of Health
Classification: Uncertain significance for Marfan syndrome. Last evaluated: 2023-06-08. Review status: criteria provided, single submitter. Criteria: ACMG Guidelines, 2015. Collection method: clinical testing. Allele origin: germline. Inheritance: Autosomal dominant inheritance. Observed: 1 variant allele, 1 heterozygote.
Comment: This missense variant replaces glutamic acid with lysine at codon 2572 of the FBN1 protein. Computational prediction suggests that this variant may not impact protein structure and function (internally defined REVEL score threshold <= 0.5, PMID: 27666373). To our knowledge, functional studies have not been reported for this variant. This variant has been reported in an individuals with clinical features of Marfan syndrome (ClinVar SCV002288574.2). This variant has not been identified in the general population by the Genome Aggregation Database (gnomAD). The available evidence is insufficient to determine the role of this variant in disease conclusively. Therefore, this variant is classified as a Variant of Uncertain Significance.

This study involves interpretation of variants in research participants for the purpose of population health screening. Participant phenotype was not available at the time of variant classification. Additional details can be found in publication PMID: 35346344, PMCID: PMC8962531

Labcorp Genetics (formerly Invitae), Labcorp
Classification: Uncertain significance for Marfan syndrome; Familial thoracic aortic aneurysm and aortic dissection. Last evaluated: 2021-06-26. Review status: criteria provided, single submitter. Criteria: Invitae Variant Classification Sherloc (09022015). Collection method: clinical testing. Allele origin: germline.
Comment: Advanced modeling of protein sequence and biophysical properties (such as structural, functional, and spatial information, amino acid conservation, physicochemical variation, residue mobility, and thermodynamic stability) performed at Invitae indicates that this missense variant is not expected to disrupt FBN1 protein function. In summary, the available evidence is currently insufficient to determine the role of this variant in disease. Therefore, it has been classified as a Variant of Uncertain Significance. This sequence change replaces glutamic acid with lysine at codon 2572 of the FBN1 protein (p.Glu2572Lys). The glutamic acid residue is moderately conserved and there is a small physicochemical difference between glutamic acid and lysine. This variant is not present in population databases (ExAC no frequency). This variant has been observed in individual(s) with clinical features of Marfan syndrome (Invitae).

NM_000138.5(FBN1):c.7714G>A (p.Glu2572Lys)

Gene: FBN1 (fibrillin 1; minus strand). Cytogenetic location: 15q21.1.
Variant type: single nucleotide variant.
Coding change: c.7714G>A on transcript NM_000138.5 (MANE Select); coding-DNA position 7714, G replaced by A.
Protein change: p.Glu2572Lys; replaces glutamic acid 2572 with lysine.
Molecular consequence: missense variant.
Genome position (GRCh38, 1-based): chr15:48,420,792, C>T on the plus strand (G>A on the coding strand, the complement: FBN1 is on the minus strand). VCF-style: chr15-48420792-C-T. GRCh37 (hg19) VCF-style: chr15-48712989-C-T.
Other names: short protein forms E2572K.
Identifiers: ClinVar variation 1332378 (VCV001332378.14), dbSNP rs2141220835, ClinGen allele CA392324823.